The following is an entry in ClinVar:

NM_000057.4(BLM):c.2356A>G (p.Arg786Gly)

Gene: BLM (BLM RecQ like helicase; plus strand). Cytogenetic location: 15q26.1.
Variant type: single nucleotide variant.
Coding change: c.2356A>G on transcript NM_000057.4 (MANE Select); coding-DNA position 2356, A replaced by G.
Protein change: p.Arg786Gly; replaces arginine 786 with glycine.
Molecular consequence: missense variant.
Genome position (GRCh38, 1-based): chr15:90,769,181, A>G. VCF-style: chr15-90769181-A-G. GRCh37 (hg19) VCF-style: chr15-91312411-A-G.
Other names: c.2356A>G, p.Arg786Gly (NM_001287246.2, NM_001287247.2); c.1231A>G, p.Arg411Gly (NM_001287248.2); short protein forms R786G, R411G.
Identifiers: ClinVar variation 3991696 (VCV003991696.1).
Genomic context (GRCh38, chr15:90,769,181, plus strand): 5'-TTTCTGGCCTAGATCTGTGCAAGTAACAGACTCATTTCTACTCTGGAGAATCTCTATGAG[A>G]GGAAGCTCTTGGCACGTTTTGTTATTGATGAAGCACATTGTGTCAGTCAGGTAAATACTG-3'
Protein context (NP_000048.1, residues 776-796): LISTLENLYE[Arg786Gly]KLLARFVIDE

ClinVar aggregate classification (germline): Uncertain significance (1 of 4 stars; one submission).

Conditions:
Hereditary cancer-predisposing syndrome. Also called: Tumor predisposition; Hereditary neoplastic syndrome; Neoplastic Syndromes, Hereditary; Hereditary Cancer Syndrome. Identifiers: Orphanet 140162, MedGen C0027672, MeSH D009386, MONDO:0015356.

Submission:

Ambry Genetics
Classification: Uncertain significance for Hereditary cancer-predisposing syndrome. Last evaluated: 2025-06-14. Review status: criteria provided, single submitter. Criteria: Ambry Variant Classification Scheme 2023. Collection method: clinical testing. Allele origin: germline.
Comment: The p.R786G variant (also known as c.2356A>G), located in coding exon 10 of the BLM gene, results from an A to G substitution at nucleotide position 2356. The arginine at codon 786 is replaced by glycine, an amino acid with dissimilar properties. This amino acid position is conserved. In addition, this alteration is predicted to be deleterious by in silico analysis. Based on the available evidence, the clinical significance of this variant remains unclear.